The following is an entry in ClinVar:

ClinVar aggregate classification (germline): Uncertain significance. Review status: criteria provided, multiple submitters, no conflicts (2 of 4 stars). 2 submissions from 2 submitters: Uncertain significance (2). Last evaluated 2026-02-01.

Conditions:
Long QT syndrome (LQTS). Identifiers: MedGen C0023976, MeSH D008133, MONDO:0002442. Disease mechanism: loss of function. Inheritance: Various modes of inheritance.

Submissions (2):

CeGaT Center for Human Genetics Tuebingen
Classification: Uncertain significance. Last evaluated: 2026-02-01. Review status: criteria provided, single submitter. Criteria: CeGaT Center For Human Genetics Tuebingen Variant Classification Criteria Version 2. Collection method: clinical testing. Allele origin: germline. Affected: yes. Observed: 1 variant allele.
Comment: CACNA1C: PM2, BP4

Labcorp Genetics (formerly Invitae), Labcorp
Classification: Uncertain significance for Long QT syndrome. Last evaluated: 2024-05-22. Review status: criteria provided, single submitter. Criteria: Invitae Variant Classification Sherloc (09022015). Collection method: clinical testing. Allele origin: germline.
Comment: This sequence change replaces glutamine, which is neutral and polar, with arginine, which is basic and polar, at codon 2129 of the CACNA1C protein (p.Gln2129Arg). This variant is not present in population databases (gnomAD no frequency). This variant has not been reported in the literature in individuals affected with CACNA1C-related conditions. Advanced modeling of protein sequence and biophysical properties (such as structural, functional, and spatial information, amino acid conservation, physicochemical variation, residue mobility, and thermodynamic stability) performed at Invitae indicates that this missense variant is not expected to disrupt CACNA1C protein function with a negative predictive value of 95%. In summary, the available evidence is currently insufficient to determine the role of this variant in disease. Therefore, it has been classified as a Variant of Uncertain Significance.

NM_000719.7(CACNA1C):c.6386A>G (p.Gln2129Arg)

Gene: CACNA1C (calcium voltage-gated channel subunit alpha1 C; plus strand). Cytogenetic location: 12p13.33.
Variant type: single nucleotide variant.
Coding change: c.6386A>G on transcript NM_000719.7 (MANE Select); coding-DNA position 6386, A replaced by G.
Protein change: p.Gln2129Arg; replaces glutamine 2129 with arginine.
Molecular consequence: missense variant.
Genome position (GRCh38, 1-based): chr12:2,691,168, A>G. VCF-style: chr12-2691168-A-G. GRCh37 (hg19) VCF-style: chr12-2800334-A-G.
Other names: c.6530A>G, p.Gln2177Arg (NM_001129827.2); c.6509A>G, p.Gln2170Arg (NM_001129829.2); c.6491A>G, p.Gln2164Arg (NM_001129830.3, NM_001167624.3); c.6470A>G, p.Gln2157Arg (NM_001129831.2); c.6446A>G, p.Gln2149Arg (NM_001129832.2); c.6443A>G, p.Gln2148Arg (NM_001129833.2, NM_001129834.2, NM_001129835.2); c.6437A>G, p.Gln2146Arg (NM_001129836.2); c.6410A>G, p.Gln2137Arg (NM_001129837.2, NM_001129838.2); and 6 more; short protein forms Q2129R, Q2148R, Q2164R, Q2135R, Q2137R, Q2146R, Q2149R, Q2189R.
Identifiers: ClinVar variation 3730621 (VCV003730621.6).